The following is an entry in ClinVar:

NM_005609.4(PYGM):c.1272C>A (p.Asp424Glu)

Gene: PYGM (glycogen phosphorylase, muscle associated; minus strand). Cytogenetic location: 11q13.1.
Variant type: single nucleotide variant.
Coding change: c.1272C>A on transcript NM_005609.4 (MANE Select); coding-DNA position 1272, C replaced by A.
Protein change: p.Asp424Glu; replaces aspartic acid 424 with glutamic acid.
Molecular consequence: missense variant.
Genome position (GRCh38, 1-based): chr11:64,753,650, G>T on the plus strand (C>A on the coding strand, the complement: PYGM is on the minus strand). VCF-style: chr11-64753650-G-T. GRCh37 (hg19) VCF-style: chr11-64521122-G-T.
Other names: c.1272C>A (NM_005609.2, NM_005609.3); c.1008C>A, p.Asp336Glu (NM_001164716.1); short protein forms D424E, D336E.
Identifiers: ClinVar variation 500684 (VCV000500684.17), dbSNP rs372851103, ClinGen allele CA6079931.
Genomic context (GRCh38, chr11:64,753,650, plus strand): 5'-GTGTGCCATGTTGATGCGCTTCACTGCGCCCTCCTCCACCAGCGACATGCGCCGCAGCCG[G>T]TCTACGTCCCCTGGGAATGCGGCCGCCACCCGCTGTGCCCAGAGAGCCCAGAGCTAGAAC-3'
Protein context (NP_005600.1, residues 414-434): RVAAAFPGDV[Asp424Glu]RLRRMSLVEE

ClinVar aggregate classification (germline): Conflicting classifications of pathogenicity. Review status: criteria provided, conflicting classifications (1 of 4 stars). 8 submissions from 8 submitters: Likely pathogenic (1); Uncertain significance (7). Last evaluated 2025-07-16.

Conditions:
Inborn genetic diseases. Identifiers: MedGen C0950123, MeSH D030342.
Glycogen storage disease, type V (GSD5). Also called: MCARDLE DISEASE; MUSCLE GLYCOGEN PHOSPHORYLASE DEFICIENCY; MYOPHOSPHORYLASE DEFICIENCY; PYGM DEFICIENCY; McArdle type glycogen storage disease. Identifiers: Orphanet 368, MedGen C0017924, MONDO:0009293, OMIM 232600.
Tip-toe gait. Also called: Toe walking. Identifiers: MedGen C0427144, HP:0030051.

Allele frequency attached by ClinVar (database versions not stated): ExAC 0.00011; gnomAD 0.00011 and 0.00013; TOPMed 0.00011; ESP Exome Variant Server 0.00015.
gnomAD v4.1: 147 of 1,608,708 alleles (0.0091%); highest among the groups gnomAD compares: Middle Eastern, 0.017%; no homozygotes.

Submissions (8):

GeneDx
Classification: Uncertain significance. Last evaluated: 2025-07-16. Review status: criteria provided, single submitter. Criteria: GeneDx Variant Classification Process June 2021. Collection method: clinical testing. Allele origin: germline. Affected: yes.
Comment: In silico analysis supports that this missense variant has a deleterious effect on protein structure/function; Has not been previously published as pathogenic or benign to our knowledge

Practice for Gait Abnormalities, David Pomarino, Competency Network Toe Walking C/o Practice Pomarino
Classification: Likely pathogenic for Tip-toe gait. Last evaluated: 2025-05-27. Review status: criteria provided, single submitter. Criteria: Pomarino et al. (J Musculoskelet Neuronal Interact. 2026). Collection method: clinical testing. Allele origin: germline. Affected: yes.

Ambry Genetics
Classification: Uncertain significance for Inborn genetic diseases. Last evaluated: 2025-05-19. Review status: criteria provided, single submitter. Criteria: Ambry Variant Classification Scheme 2023. Collection method: clinical testing. Allele origin: germline.

Revvity Omics, Revvity
Classification: Uncertain significance for Glycogen storage disease, type V. Last evaluated: 2024-11-19. Review status: criteria provided, single submitter. Criteria: ACMG Guidelines, 2015. Collection method: clinical testing. Allele origin: germline.

Fulgent Genetics
Classification: Uncertain significance for Glycogen storage disease, type V. Last evaluated: 2024-05-14. Review status: criteria provided, single submitter. Criteria: ACMG Guidelines, 2015. Collection method: clinical testing. Allele origin: germline.

Labcorp Genetics (formerly Invitae), Labcorp
Classification: Uncertain significance for Glycogen storage disease, type V. Last evaluated: 2022-05-17. Review status: criteria provided, single submitter. Criteria: Invitae Variant Classification Sherloc (09022015). Collection method: clinical testing. Allele origin: germline.
Comment: This sequence change replaces aspartic acid, which is acidic and polar, with glutamic acid, which is acidic and polar, at codon 424 of the PYGM protein (p.Asp424Glu). This variant is present in population databases (rs372851103, gnomAD 0.02%). This variant has not been reported in the literature in individuals affected with PYGM-related conditions. ClinVar contains an entry for this variant (Variation ID: 500684). Algorithms developed to predict the effect of missense changes on protein structure and function are either unavailable or do not agree on the potential impact of this missense change (SIFT: "Not Available"; PolyPhen-2: "Benign"; Align-GVGD: "Not Available"). In summary, the available evidence is currently insufficient to determine the role of this variant in disease. Therefore, it has been classified as a Variant of Uncertain Significance.

Genome-Nilou Lab
Classification: Uncertain significance for Glycogen storage disease, type V. Last evaluated: 2021-07-22. Review status: criteria provided, single submitter. Criteria: ACMG Guidelines, 2015. Collection method: clinical testing. Allele origin: germline. Affected: no.

Eurofins Ntd Llc (ga)
Classification: Uncertain significance. Last evaluated: 2017-03-09. Review status: criteria provided, single submitter. Criteria: EGL Classification Definitions 2015. Collection method: clinical testing. Allele origin: germline. Observed: 1 variant allele, 1 heterozygote.